The following is an entry in ClinVar:

NM_001164508.2(NEB):c.23083C>A (p.Pro7695Thr)

Genes: NEB (nebulin; minus strand), RIF1 (replication timing regulatory factor 1; plus strand). Cytogenetic location: 2q23.3.
Variant type: single nucleotide variant.
Coding change: c.23083C>A on transcript NM_001164508.2 (MANE Select); coding-DNA position 23083, C replaced by A.
Protein change: p.Pro7695Thr; replaces proline 7695 with threonine.
Molecular consequence: missense variant.
Genome position (GRCh38, 1-based): chr2:151,514,362, G>T on the plus strand (C>A on the coding strand, the complement: NEB is on the minus strand). VCF-style: chr2-151514362-G-T. GRCh37 (hg19) VCF-style: chr2-152370876-G-T.
Other names: c.23083C>A, p.Pro7695Thr (NM_001164507.2); c.23188C>A, p.Pro7730Thr (NM_001271208.2); c.17980C>A, p.Pro5994Thr (NM_004543.5); c.23188C>A (NM_001271208.1); c.17980C>A (NM_004543.4); short protein forms P5994T, P7730T, P7695T.
Identifiers: ClinVar variation 1440785 (VCV001440785.13), dbSNP rs757006805, ClinGen allele CA1906454.

ClinVar aggregate classification (germline): Conflicting classifications of pathogenicity. Review status: criteria provided, conflicting classifications (1 of 4 stars). 3 submissions from 3 submitters: Uncertain significance (2); Likely benign (1). Last evaluated 2026-01-15.

Conditions:
Nemaline myopathy 2 (NEM2). Also called: Nemaline myopathy 2, autosomal recessive. Identifiers: MedGen C1850569, MONDO:0009725, OMIM 256030.
Inborn genetic diseases. Identifiers: MedGen C0950123, MeSH D030342.

Allele frequency attached by ClinVar (database versions not stated): gnomAD exomes 0.00002; ExAC 0.00003; gnomAD 0.00003 and 0.00006.
gnomAD v4.1: 26 of 1,613,682 alleles (0.0016%); highest among the groups gnomAD compares: Admixed American, 0.0033%; no homozygotes.

Submissions (3):

Labcorp Genetics (formerly Invitae), Labcorp
Classification: Likely benign for Nemaline myopathy 2. Last evaluated: 2026-01-15. Review status: criteria provided, single submitter. Criteria: Invitae Variant Classification Sherloc (09022015). Collection method: clinical testing. Allele origin: germline.

Revvity Omics, Revvity
Classification: Uncertain significance. Last evaluated: 2024-10-30. Review status: criteria provided, single submitter. Criteria: ACMG Guidelines, 2015. Collection method: clinical testing. Allele origin: germline.

Ambry Genetics
Classification: Uncertain significance for Inborn genetic diseases. Last evaluated: 2023-10-27. Review status: criteria provided, single submitter. Criteria: Ambry Variant Classification Scheme 2023. Collection method: clinical testing. Allele origin: germline.